The following is an entry in ClinVar:

ClinVar aggregate classification (germline): Uncertain significance. Review status: criteria provided, multiple submitters, no conflicts (2 of 4 stars). 2 submissions from 2 submitters: Uncertain significance (2). Last evaluated 2026-01-14.

Allele frequency attached by ClinVar (database versions not stated): ExAC 0.00006; ESP Exome Variant Server 0.00015; gnomAD 0.00017; 1000 Genomes Project 0.00020; TOPMed 0.00023; 1000 Genomes Project 30x 0.00031.
gnomAD v4.1: 110 of 1,614,140 alleles (0.0068%); highest among the groups gnomAD compares: Admixed American, 0.047%; no homozygotes.

Submissions (2):

Labcorp Genetics (formerly Invitae), Labcorp
Classification: Uncertain significance. Last evaluated: 2026-01-14. Review status: criteria provided, single submitter. Criteria: Invitae Variant Classification Sherloc (09022015). Collection method: clinical testing. Allele origin: germline.
Comment: This sequence change replaces valine, which is neutral and non-polar, with methionine, which is neutral and non-polar, at codon 793 of the DISP1 protein (p.Val793Met). This variant is present in population databases (rs201522623, gnomAD 0.03%). This missense change has been observed in individual(s) with DISP1-related conditions (PMID: 33057194, 35982159). ClinVar contains an entry for this variant (Variation ID: 2711675). An algorithm developed to predict the effect of missense changes on protein structure and function (PolyPhen-2) suggests that this variant is likely to be disruptive. In summary, the available evidence is currently insufficient to determine the role of this variant in disease. Therefore, it has been classified as a Variant of Uncertain Significance.

Ambry Genetics
Classification: Uncertain significance. Last evaluated: 2024-01-24. Review status: criteria provided, single submitter. Criteria: Ambry Variant Classification Scheme 2023. Collection method: clinical testing. Allele origin: germline.

Literature cited by the submitters: PubMed 33057194 (cited by Labcorp Genetics (formerly Invitae), Labcorp); PubMed 35982159 (cited by Labcorp Genetics (formerly Invitae), Labcorp).

NM_001377229.1(DISP1):c.2377G>A (p.Val793Met)

Gene: DISP1 (dispatched RND transporter family member 1; plus strand). Cytogenetic location: 1q41.
Variant type: single nucleotide variant.
Coding change: c.2377G>A on transcript NM_001377229.1 (MANE Select); coding-DNA position 2377, G replaced by A.
Protein change: p.Val793Met; replaces valine 793 with methionine.
Molecular consequence: missense variant.
Genome position (GRCh38, 1-based): chr1:223,003,774, G>A. VCF-style: chr1-223003774-G-A. GRCh37 (hg19) VCF-style: chr1-223177116-G-A.
Other names: c.1648G>A, p.Val550Met (NM_001350630.2); c.2377G>A, p.Val793Met (NM_001369594.1, NM_001377228.1, NM_032890.5); short protein forms V550M, V793M.
Identifiers: ClinVar variation 2711675 (VCV002711675.4), dbSNP rs201522623, ClinGen allele CA1409233.